The following is an entry in ClinVar:

NM_001365999.1(SZT2):c.7154C>G (p.Ala2385Gly)

Gene: SZT2 (SZT2 subunit of KICSTOR complex; plus strand). Cytogenetic location: 1p34.2.
Variant type: single nucleotide variant.
Coding change: c.7154C>G on transcript NM_001365999.1 (MANE Select); coding-DNA position 7154, C replaced by G.
Protein change: p.Ala2385Gly; replaces alanine 2385 with glycine.
Molecular consequence: missense variant.
Genome position (GRCh38, 1-based): chr1:43,439,992, C>G. VCF-style: chr1-43439992-C-G. GRCh37 (hg19) VCF-style: chr1-43905663-C-G.
Other names: c.6983C>G, p.Ala2328Gly (NM_015284.4); short protein forms A2385G, A2328G.
Identifiers: ClinVar variation 1508181 (VCV001508181.8), dbSNP rs575969363, ClinGen allele CA810124.

ClinVar aggregate classification (germline): Uncertain significance (1 of 4 stars; one submission).

Allele frequency attached by ClinVar (database versions not stated): gnomAD 0.00001; 1000 Genomes Project 30x 0.00016; 1000 Genomes Project 0.00020.
gnomAD v4.1: 2 of 1,614,178 alleles (0.00012%); highest among the groups gnomAD compares: South Asian, 0.0022%; no homozygotes.

Submission:

Labcorp Genetics (formerly Invitae), Labcorp
Classification: Uncertain significance. Last evaluated: 2022-02-05. Review status: criteria provided, single submitter. Criteria: Invitae Variant Classification Sherloc (09022015). Collection method: clinical testing. Allele origin: germline.
Comment: This sequence change replaces alanine, which is neutral and non-polar, with glycine, which is neutral and non-polar, at codon 2328 of the SZT2 protein (p.Ala2328Gly). This variant is present in population databases (rs575969363, gnomAD 0.003%). This variant has not been reported in the literature in individuals affected with SZT2-related conditions. Algorithms developed to predict the effect of missense changes on protein structure and function output the following: SIFT: "Tolerated"; PolyPhen-2: "Benign"; Align-GVGD: "Class C0". The glycine amino acid residue is found in multiple mammalian species, which suggests that this missense change does not adversely affect protein function. In summary, the available evidence is currently insufficient to determine the role of this variant in disease. Therefore, it has been classified as a Variant of Uncertain Significance.